The following is an entry in ClinVar:

NM_007186.6(CEP250):c.6285T>G (p.Ser2095Arg)

Gene: CEP250 (centrosomal protein 250; plus strand). Cytogenetic location: 20q11.22.
Variant type: single nucleotide variant.
Coding change: c.6285T>G on transcript NM_007186.6 (MANE Select); coding-DNA position 6285, T replaced by G.
Protein change: p.Ser2095Arg; replaces serine 2095 with arginine.
Molecular consequence: missense variant.
Genome position (GRCh38, 1-based): chr20:35,504,654, T>G. VCF-style: chr20-35504654-T-G. GRCh37 (hg19) VCF-style: chr20-34092482-T-G.
Other names: c.4389T>G, p.Ser1463Arg (NM_001318219.1); short protein forms S1463R, S2095R.
Identifiers: ClinVar variation 1461192 (VCV001461192.8), dbSNP rs1221230535, ClinGen allele CA408756808.

ClinVar aggregate classification (germline): Uncertain significance (1 of 4 stars; one submission).

Allele frequency attached by ClinVar (database versions not stated): gnomAD exomes below 0.00001.
gnomAD v4.1: 21 of 1,613,346 alleles (0.0013%); highest among the groups gnomAD compares: Non-Finnish European, 0.0017%; no homozygotes.

Submission:

Labcorp Genetics (formerly Invitae), Labcorp
Classification: Uncertain significance. Last evaluated: 2022-07-26. Review status: criteria provided, single submitter. Criteria: Invitae Variant Classification Sherloc (09022015). Collection method: clinical testing. Allele origin: germline.
Comment: This sequence change replaces serine, which is neutral and polar, with arginine, which is basic and polar, at codon 2095 of the CEP250 protein (p.Ser2095Arg). This variant is present in population databases (no rsID available, gnomAD 0.002%). This variant has not been reported in the literature in individuals affected with CEP250-related conditions. ClinVar contains an entry for this variant (Variation ID: 1461192). Algorithms developed to predict the effect of missense changes on protein structure and function output the following: SIFT: "Not Available"; PolyPhen-2: "Benign"; Align-GVGD: "Not Available". The arginine amino acid residue is found in multiple mammalian species, which suggests that this missense change does not adversely affect protein function. In summary, the available evidence is currently insufficient to determine the role of this variant in disease. Therefore, it has been classified as a Variant of Uncertain Significance.